The following is an entry in ClinVar:

ClinVar aggregate classification (germline): Likely benign (0 of 4 stars; one submission).

Conditions:
MYO18B-related disorder. Also called: MYO18B-related condition.

Allele frequency attached by ClinVar (database versions not stated): TOPMed below 0.00001; ExAC 0.00001; gnomAD 0.00001; gnomAD exomes 0.00001.
gnomAD v4.1: 12 of 1,611,994 alleles (0.00074%); highest among the groups gnomAD compares: East Asian, 0.0022%; no homozygotes.

Submission:

PreventionGenetics, part of Exact Sciences
Classification: Likely benign for MYO18B-related condition. Last evaluated: 2023-04-12. Review status: no assertion criteria provided. Collection method: clinical testing. Allele origin: germline.
Comment: This variant is classified as likely benign based on ACMG/AMP sequence variant interpretation guidelines (Richards et al. 2015 PMID: 25741868, with internal and published modifications).

NM_032608.7(MYO18B):c.2364C>T (p.Gly788=)

Gene: MYO18B (myosin XVIIIB; plus strand). Cytogenetic location: 22q12.1.
Variant type: single nucleotide variant.
Coding change: c.2364C>T on transcript NM_032608.7 (MANE Select); coding-DNA position 2364, C replaced by T.
Protein change: p.Gly788=; no amino-acid change (glycine 788 retained).
Molecular consequence: synonymous variant.
Genome position (GRCh38, 1-based): chr22:25,785,479, C>T. VCF-style: chr22-25785479-C-T. GRCh37 (hg19) VCF-style: chr22-26181446-C-T.
Other names: c.2364C>T, p.Gly788= (NM_001318245.2).
Identifiers: ClinVar variation 3051833 (VCV003051833.2), dbSNP rs761301483, ClinGen allele CA10160137.